The following is an entry in ClinVar:

ClinVar aggregate classification (germline): Uncertain significance (1 of 4 stars; one submission).

gnomAD v4.1: 2 of 1,611,268 alleles (0.00012%); highest among the groups gnomAD compares: South Asian, 0.0011%; no homozygotes.

Submission:

Labcorp Genetics (formerly Invitae), Labcorp
Classification: Uncertain significance. Last evaluated: 2025-08-04. Review status: criteria provided, single submitter. Criteria: Invitae Variant Classification Sherloc (09022015). Collection method: clinical testing. Allele origin: germline.
Comment: This sequence change replaces isoleucine, which is neutral and non-polar, with threonine, which is neutral and polar, at codon 518 of the ADGRV1 protein (p.Ile518Thr). This variant is present in population databases (no rsID available, gnomAD 0.003%). This variant has not been reported in the literature in individuals affected with ADGRV1-related conditions. Invitae Evidence Modeling of protein sequence and biophysical properties (such as structural, functional, and spatial information, amino acid conservation, physicochemical variation, residue mobility, and thermodynamic stability) indicates that this missense variant is not expected to disrupt ADGRV1 protein function with a negative predictive value of 80%. In summary, the available evidence is currently insufficient to determine the role of this variant in disease. Therefore, it has been classified as a Variant of Uncertain Significance.

NM_032119.4(ADGRV1):c.1553T>C (p.Ile518Thr)

Gene: ADGRV1 (adhesion G protein-coupled receptor V1; plus strand). Cytogenetic location: 5q14.3.
Variant type: single nucleotide variant.
Coding change: c.1553T>C on transcript NM_032119.4 (MANE Select); coding-DNA position 1553, T replaced by C.
Protein change: p.Ile518Thr; replaces isoleucine 518 with threonine.
Molecular consequence: missense variant. On other transcripts: non-coding transcript variant (1).
Genome position (GRCh38, 1-based): chr5:90,629,253, T>C. VCF-style: chr5-90629253-T-C. GRCh37 (hg19) VCF-style: chr5-89925070-T-C.
Other names: short protein forms I518T.
Identifiers: ClinVar variation 4712788 (VCV004712788.1).